The following is an entry in ClinVar:

NM_021954.4(GJA3):c.188A>G (p.Asn63Ser)

Gene: GJA3 (gap junction protein alpha 3; minus strand). Cytogenetic location: 13q12.11.
Variant type: single nucleotide variant.
Coding change: c.188A>G on transcript NM_021954.4 (MANE Select); coding-DNA position 188, A replaced by G.
Protein change: p.Asn63Ser; replaces asparagine 63 with serine.
Molecular consequence: missense variant.
Genome position (GRCh38, 1-based): chr13:20,143,101, T>C on the plus strand (A>G on the coding strand, the complement: GJA3 is on the minus strand). VCF-style: chr13-20143101-T-C. GRCh37 (hg19) VCF-style: chr13-20717240-T-C.
Other names: short protein forms N63S.
Identifiers: ClinVar variation 16978 (VCV000016978.2), dbSNP rs121917823, ClinGen allele CA214971.

ClinVar aggregate classification (germline): Likely pathogenic. Review status: criteria provided, single submitter (1 of 4 stars). 2 submissions from 2 submitters: Likely pathogenic (1). 1 of the submissions does not count toward it. Last evaluated 2023-01-21.

Conditions:
Cataract 14 multiple types. Also called: CATARACT 14, ZONULAR PULVERULENT; CATARACT 14, NUCLEAR PULVERULENT; CATARACT 14, NUCLEAR PULVERULENT AND POSTERIOR POLAR; CATARACT 14, NUCLEAR CORALLIFORM; CATARACT 14, EMBRYONAL NUCLEAR; CATARACT 14, COPPOCK-LIKE. Identifiers: Orphanet 91492, MedGen C1866078, MONDO:0011162, OMIM 601885.

Submissions (2):

Dept. Genetics and Cancer, Menzies Institute for Medical Research, University of Tasmania
Classification: Likely pathogenic for Cataract 14 multiple types. Last evaluated: 2023-01-21. Review status: criteria provided, single submitter. Criteria: ACMG Guidelines, 2015. Collection method: curation. Allele origin: germline. Affected: yes.
Comment: Variant identified and curated during a GJA3 specific review of the literature in relation to pediatric or congenital cataract. ACMG-AMP criteria applied: PP1(Strong), PM1, PM2(Supporting), PP3. Original variant report: PMID:10205266. The cataract phenotype reported for this variant is: Nuclear punctate with fine dust-like in peripheral zone. Gene review and curation guidelines are outlined in: DOI 10.1080/17469899.2023.2160320

OMIM
Classification: Pathogenic for CATARACT 14, ZONULAR PULVERULENT. Last evaluated: 1999-05-01. Review status: no assertion criteria provided. Collection method: literature only. Allele origin: germline. Not counted in ClinVar's aggregate classification.

Literature cited by the submitters: PubMed 10205266 (cited by Dept. Genetics and Cancer, Menzies Institute for Medical Research, University of Tasmania and OMIM).